The following is an entry in ClinVar:

NM_006766.5(KAT6A):c.1740+10A>G

Gene: KAT6A (lysine acetyltransferase 6A; minus strand). Cytogenetic location: 8p11.21.
Variant type: single nucleotide variant.
Coding change: c.1740+10A>G on transcript NM_006766.5 (MANE Select); 10 bases into the intron after coding-DNA position 1740, A replaced by G.
Molecular consequence: intron variant.
Genome position (GRCh38, 1-based): chr8:41,949,212, T>C on the plus strand (A>G on the coding strand, the complement: KAT6A is on the minus strand). VCF-style: chr8-41949212-T-C. GRCh37 (hg19) VCF-style: chr8-41806730-T-C.
Other names: c.1740+10A>G (NM_001305878.2).
Identifiers: ClinVar variation 2715027 (VCV002715027.3), dbSNP rs2486789704, ClinGen allele CA2697549895.

ClinVar aggregate classification (germline): Uncertain significance (1 of 4 stars; one submission).

Submission:

Labcorp Genetics (formerly Invitae), Labcorp
Classification: Uncertain significance. Last evaluated: 2023-06-14. Review status: criteria provided, single submitter. Criteria: Invitae Variant Classification Sherloc (09022015). Collection method: clinical testing. Allele origin: germline.
Comment: In summary, the available evidence is currently insufficient to determine the role of this variant in disease. Therefore, it has been classified as a Variant of Uncertain Significance. Algorithms developed to predict the effect of sequence changes on RNA splicing suggest that this variant may create or strengthen a splice site. This variant has not been reported in the literature in individuals affected with KAT6A-related conditions. This sequence change falls in intron 10 of the KAT6A gene. It does not directly change the encoded amino acid sequence of the KAT6A protein. This variant is not present in population databases (gnomAD no frequency).